The following is an entry in ClinVar:

ClinVar aggregate classification (germline): Benign/Likely benign. Review status: criteria provided, multiple submitters, no conflicts (2 of 4 stars). 6 submissions from 6 submitters: Benign (3); Likely benign (3). Last evaluated 2024-10-28.

Allele frequency attached by ClinVar (database versions not stated): 1000 Genomes Project 0.00280; gnomAD exomes 0.00041 and 0.00088; gnomAD 0.00070 and 0.00105; ExAC 0.00093; 1000 Genomes Project 30x 0.00250; ESP Exome Variant Server 0.00015.
gnomAD v4.1: 591 of 1,232,128 alleles (0.048%); highest among the groups gnomAD compares: East Asian, 2.2%; 4 homozygotes.

Submissions (6):

Blueprint Genetics
Classification: Likely benign. Last evaluated: 2024-10-28. Review status: criteria provided, single submitter. Criteria: ACMG Guidelines, 2015. Collection method: clinical testing. Allele origin: germline.

CeGaT Center for Human Genetics Tuebingen
Classification: Likely benign. Last evaluated: 2024-07-01. Review status: criteria provided, single submitter. Criteria: CeGaT Center For Human Genetics Tuebingen Variant Classification Criteria Version 2. Collection method: clinical testing. Allele origin: germline. Affected: yes. Observed: 1 variant allele.
Comment: USH1C: BP4, BP7, BS1

Labcorp Genetics (formerly Invitae), Labcorp
Classification: Benign. Last evaluated: 2022-11-01. Review status: criteria provided, single submitter. Criteria: Invitae Variant Classification Sherloc (09022015). Collection method: clinical testing. Allele origin: germline.

GeneDx
Classification: Likely benign. Last evaluated: 2021-03-18. Review status: criteria provided, single submitter. Criteria: GeneDx Variant Classification Process June 2021. Collection method: clinical testing. Allele origin: germline. Affected: yes.

ARUP Laboratories, Molecular Genetics and Genomics, ARUP Laboratories
Classification: Benign. Last evaluated: 2020-01-20. Review status: criteria provided, single submitter. Criteria: ARUP Molecular Germline Variant Investigation Process. Collection method: clinical testing. Allele origin: germline.

Laboratory for Molecular Medicine, Mass General Brigham Personalized Medicine
Classification: Benign. Last evaluated: 2017-08-30. Review status: criteria provided, single submitter. Criteria: LMM Criteria. Collection method: clinical testing. Allele origin: germline. Observed: 3 variant alleles.
Comment: p.Pro580Pro in exon 18 of USH1C: This variant is not expected to have clinical s ignificance because it does not alter an amino acid residue, is not located with in the splice consensus sequence and has been identified in 1.2% (164/13838) of East Asian chromosomes by the Genome Aggregation Database (gnomAD .; dbSNP rs200085788).

NM_153676.4(USH1C):c.1740T>C (p.Pro580=)

Gene: USH1C (USH1 protein network component harmonin; minus strand). Cytogenetic location: 11p15.1.
Variant type: single nucleotide variant.
Coding change: c.1740T>C on transcript NM_153676.4 (MANE Select); coding-DNA position 1740, T replaced by C.
Protein change: p.Pro580=; no amino-acid change (proline 580 retained).
Molecular consequence: synonymous variant. On other transcripts: intron variant (2).
Genome position (GRCh38, 1-based): chr11:17,509,629, A>G on the plus strand (T>C on the coding strand, the complement: USH1C is on the minus strand). VCF-style: chr11-17509629-A-G. GRCh37 (hg19) VCF-style: chr11-17531176-A-G.
Other names: c.1228-7649T>C (NM_001297764.2); c.1285-7649T>C (NM_005709.4).
Identifiers: ClinVar variation 47981 (VCV000047981.42), dbSNP rs200085788, ClinGen allele CA142303.
Genomic context (GRCh38, chr11:17,509,629, plus strand): 5'-TGGAGTGCGCTGCACCCATGGAGAGGATGAGGCGCTCACATGGCCAGATAAGGGAAGGAC[A>G]GGGGGCGCCGGGACCTTGTGGGGTGGGTTGGAGGGTGGAGGGTGGGGCATCACAGGCAAG-3'
Protein context (NP_710142.1, residues 570-590): SNPPHKVPAP[Pro580=]VLPLSGHVSA